The following is an entry in ClinVar:

NM_000628.5(IL10RB):c.331+65G>A

Genes: IFNAR2-IL10RB (IFNAR2-IL10RB readthrough; plus strand), IL10RB (interleukin 10 receptor subunit beta; plus strand). Cytogenetic location: 21q22.11.
Variant type: single nucleotide variant.
Coding change: c.331+65G>A on transcript NM_000628.5 (MANE Select); 65 bases into the intron after coding-DNA position 331, G replaced by A.
Molecular consequence: intron variant.
Genome position (GRCh38, 1-based): chr21:33,276,818, G>A. VCF-style: chr21-33276818-G-A. GRCh37 (hg19) VCF-style: chr21-34649123-G-A.
Other names: c.991+65G>A (NM_001414505.1); c.331+65G>A (NM_001405849.1, NM_001405850.1, NM_001406840.1).
Identifiers: ClinVar variation 2628197 (VCV002628197.2), dbSNP rs2285020, ClinGen allele CA15981941.
Genomic context (GRCh38, chr21:33,276,818, plus strand): 5'-GCCATTTTGTTTTCCCTTTTTTTGTAATGTCATCATCTTGCCTTGTTTTTTTCCACATTG[G>A]TTGGTCCATCAACAAGAATTCTTTGAGGGCCCACAAATGGATGGCCTTGCACAAGGAGCT-3'

ClinVar aggregate classification (germline): Benign (1 of 4 stars; one submission).

Allele frequency attached by ClinVar (database versions not stated): 1000 Genomes Project 0.28454; 1000 Genomes Project 30x 0.28763; TOPMed 0.35698; gnomAD 0.36954; gnomAD exomes 0.41212.
gnomAD v4.1: 569,258 of 1,399,514 alleles (41%); highest among the groups gnomAD compares: Non-Finnish European, 44%; 121,209 homozygotes.

Submission:

Unidad de Genómica Garrahan, Hospital de Pediatría Garrahan
Classification: Benign. Last evaluated: 2023-11-12. Review status: criteria provided, single submitter. Criteria: ACMG Guidelines, 2015. Collection method: clinical testing. Allele origin: germline. Affected: no. Observed: 43 variant alleles.
Comment: This variant is classified as Benign based on local population frequency. This variant was detected in 45% of patients studied by a panel of primary immunodeficiencies. Number of patients: 43. Only high quality variants are reported.